The following is an entry in ClinVar:

NM_000321.3(RB1):c.1985T>A (p.Leu662Gln)

Gene: RB1 (RB transcriptional corepressor 1; plus strand). Cytogenetic location: 13q14.2.
Variant type: single nucleotide variant.
Coding change: c.1985T>A on transcript NM_000321.3 (MANE Select); coding-DNA position 1985, T replaced by A.
Protein change: p.Leu662Gln; replaces leucine 662 with glutamine.
Molecular consequence: missense variant.
Genome position (GRCh38, 1-based): chr13:48,459,712, T>A. VCF-style: chr13-48459712-T-A. GRCh37 (hg19) VCF-style: chr13-49033848-T-A.
Other names: c.1985T>A, p.Leu662Gln (NM_001407165.1); short protein forms L662Q.
Identifiers: ClinVar variation 2114695 (VCV002114695.4), dbSNP rs2542368024, ClinGen allele CA388166706.

ClinVar aggregate classification (germline): Uncertain significance (1 of 4 stars; one submission).

Conditions:
Retinoblastoma (RB1). Also called: RETINOBLASTOMA, SOMATIC. Identifiers: Orphanet 790, MedGen C0035335, MeSH D012175, MONDO:0008380, OMIM 180200, HP:0009919. Disease mechanism: loss of function. Inheritance: Both sporadic and heritable forms are tested..

Submission:

Labcorp Genetics (formerly Invitae), Labcorp
Classification: Uncertain significance for Retinoblastoma. Last evaluated: 2024-10-23. Review status: criteria provided, single submitter. Criteria: Invitae Variant Classification Sherloc (09022015). Collection method: clinical testing. Allele origin: germline.
Comment: This sequence change replaces leucine, which is neutral and non-polar, with glutamine, which is neutral and polar, at codon 662 of the RB1 protein (p.Leu662Gln). This variant is not present in population databases (gnomAD no frequency). This variant has not been reported in the literature in individuals affected with RB1-related conditions. ClinVar contains an entry for this variant (Variation ID: 2114695). Invitae Evidence Modeling of protein sequence and biophysical properties (such as structural, functional, and spatial information, amino acid conservation, physicochemical variation, residue mobility, and thermodynamic stability) indicates that this missense variant is expected to disrupt RB1 protein function with a positive predictive value of 80%. In summary, the available evidence is currently insufficient to determine the role of this variant in disease. Therefore, it has been classified as a Variant of Uncertain Significance.